The following is an entry in ClinVar:

ClinVar aggregate classification (germline): Uncertain significance. Review status: criteria provided, multiple submitters, no conflicts (2 of 4 stars). 2 submissions from 2 submitters: Uncertain significance (2). Last evaluated 2024-05-06.

Allele frequency attached by ClinVar (database versions not stated): gnomAD 0.00001; gnomAD exomes 0.00001; TOPMed 0.00002.
gnomAD v4.1: 7 of 1,614,100 alleles (0.00043%); highest among the groups gnomAD compares: South Asian, 0.0033%; no homozygotes.

Submissions (2):

Labcorp Genetics (formerly Invitae), Labcorp
Classification: Uncertain significance. Last evaluated: 2024-05-06. Review status: criteria provided, single submitter. Criteria: Invitae Variant Classification Sherloc (09022015). Collection method: clinical testing. Allele origin: germline.
Comment: This sequence change replaces threonine, which is neutral and polar, with methionine, which is neutral and non-polar, at codon 226 of the PIGV protein (p.Thr226Met). This variant is present in population databases (no rsID available, gnomAD 0.003%). This variant has not been reported in the literature in individuals affected with PIGV-related conditions. ClinVar contains an entry for this variant (Variation ID: 1484295). Advanced modeling of protein sequence and biophysical properties (such as structural, functional, and spatial information, amino acid conservation, physicochemical variation, residue mobility, and thermodynamic stability) performed at Invitae indicates that this missense variant is not expected to disrupt PIGV protein function with a negative predictive value of 80%. In summary, the available evidence is currently insufficient to determine the role of this variant in disease. Therefore, it has been classified as a Variant of Uncertain Significance.

Breakthrough Genomics
Classification: Uncertain significance. Review status: criteria provided, single submitter. Criteria: ACMG Guidelines, 2015. Collection method: not provided. Allele origin: germline. Inheritance: Autosomal recessive inheritance. Affected: yes.

NM_017837.4(PIGV):c.677C>T (p.Thr226Met)

Gene: PIGV (phosphatidylinositol glycan anchor biosynthesis class V; plus strand). Cytogenetic location: 1p36.11.
Variant type: single nucleotide variant.
Coding change: c.677C>T on transcript NM_017837.4 (MANE Select); coding-DNA position 677, C replaced by T.
Protein change: p.Thr226Met; replaces threonine 226 with methionine.
Molecular consequence: missense variant. On other transcripts: non-coding transcript variant (1), intron variant (3).
Genome position (GRCh38, 1-based): chr1:26,794,711, C>T. VCF-style: chr1-26794711-C-T. GRCh37 (hg19) VCF-style: chr1-27121202-C-T.
Other names: c.677C>T, p.Thr226Met (NM_001202554.2, NM_001374478.1, NM_001374480.1 and 2 more transcripts); c.296C>T, p.Thr99Met (NM_001374483.1); c.173-123C>T (NM_001374484.1, NM_001374485.1); c.79-2852C>T (NM_001374486.1); short protein forms T226M, T99M.
Identifiers: ClinVar variation 1484295 (VCV001484295.6), dbSNP rs942066811, ClinGen allele CA19833977.